The following is an entry in ClinVar:

ClinVar aggregate classification (germline): Uncertain significance (1 of 4 stars; one submission).

Conditions:
Hereditary cancer-predisposing syndrome. Also called: Neoplastic Syndromes, Hereditary; Tumor predisposition; Hereditary neoplastic syndrome; Hereditary Cancer Syndrome. Identifiers: Orphanet 140162, MedGen C0027672, MeSH D009386, MONDO:0015356.

Submission:

Ambry Genetics
Classification: Uncertain significance for Hereditary cancer-predisposing syndrome. Last evaluated: 2024-05-29. Review status: criteria provided, single submitter. Criteria: Ambry Variant Classification Scheme 2023. Collection method: clinical testing. Allele origin: germline.
Comment: The p.R10W variant (also known as c.28A>T), located in coding exon 1 of the SDHB gene, results from an A to T substitution at nucleotide position 28. The arginine at codon 10 is replaced by tryptophan, an amino acid with dissimilar properties. This amino acid position is conserved. In addition, the in silico prediction for this alteration is inconclusive. Based on the available evidence, the clinical significance of this variant remains unclear.

NM_003000.3(SDHB):c.28A>T (p.Arg10Trp)

Gene: SDHB (succinate dehydrogenase complex iron sulfur subunit B; minus strand). Cytogenetic location: 1p36.13.
Variant type: single nucleotide variant.
Coding change: c.28A>T on transcript NM_003000.3 (MANE Select); coding-DNA position 28, A replaced by T.
Protein change: p.Arg10Trp; replaces arginine 10 with tryptophan.
Molecular consequence: missense variant.
Genome position (GRCh38, 1-based): chr1:17,053,992, T>A on the plus strand (A>T on the coding strand, the complement: SDHB is on the minus strand). VCF-style: chr1-17053992-T-A. GRCh37 (hg19) VCF-style: chr1-17380487-T-A.
Other names: c.28A>T, p.Arg10Trp (NM_001407361.1); short protein forms R10W.
Identifiers: ClinVar variation 3316900 (VCV003316900.1).
Genomic context (GRCh38, chr1:17,053,992, plus strand): 5'-AGGCTCCAGGACTCACCTGCAGGCAGGCTCCGCCAAGGGTTGTGGCCGGCAACCGGCGCC[T>A]CAAGGAGAGGGCGACCACCGCCGCCATCTTGGCTCCTGACGTCAGCCCCACCCCTTAACC-3'
Protein context (NP_002991.2, residues 1-20): MAAVVALSL[Arg10Trp]RRLPATTLGG